The following is an entry in ClinVar:

NM_032608.7(MYO18B):c.1679A>G (p.Glu560Gly)

Gene: MYO18B (myosin XVIIIB; plus strand). Cytogenetic location: 22q12.1.
Variant type: single nucleotide variant.
Coding change: c.1679A>G on transcript NM_032608.7 (MANE Select); coding-DNA position 1679, A replaced by G.
Protein change: p.Glu560Gly; replaces glutamic acid 560 with glycine.
Molecular consequence: missense variant.
Genome position (GRCh38, 1-based): chr22:25,770,971, A>G. VCF-style: chr22-25770971-A-G. GRCh37 (hg19) VCF-style: chr22-26166938-A-G.
Other names: c.1679A>G, p.Glu560Gly (NM_001318245.2); short protein forms E560G.
Identifiers: ClinVar variation 1353382 (VCV001353382.6), dbSNP rs1265561605, ClinGen allele CA411005749.
Genomic context (GRCh38, chr22:25,770,971, plus strand): 5'-CAGCAGGAAGGGTGAGACTTTGGATTGATGCTGACAAAACCATCACTGAGGTGGATGAGG[A>G]GCATGTCCATCGGGTGAGTCCCCTGTCCCGCCGTCCCCCAGCATGAGTCCCCTGTCCCAC-3'
Protein context (NP_115997.5, residues 550-570): ADKTITEVDE[Glu560Gly]HVHRANPPEL

ClinVar aggregate classification (germline): Uncertain significance (1 of 4 stars; one submission).

Allele frequency attached by ClinVar (database versions not stated): TOPMed below 0.00001; gnomAD exomes 0.00001.
gnomAD v4.1: 7 of 1,552,088 alleles (0.00045%); highest among the groups gnomAD compares: Middle Eastern, 0.017%; no homozygotes.

Submission:

Labcorp Genetics (formerly Invitae), Labcorp
Classification: Uncertain significance. Last evaluated: 2024-02-17. Review status: criteria provided, single submitter. Criteria: Invitae Variant Classification Sherloc (09022015). Collection method: clinical testing. Allele origin: germline.
Comment: This sequence change replaces glutamic acid, which is acidic and polar, with glycine, which is neutral and non-polar, at codon 560 of the MYO18B protein (p.Glu560Gly). This variant is present in population databases (no rsID available, gnomAD 0.002%). This variant has not been reported in the literature in individuals affected with MYO18B-related conditions. ClinVar contains an entry for this variant (Variation ID: 1353382). An algorithm developed to predict the effect of missense changes on protein structure and function (PolyPhen-2) suggests that this variant is likely to be disruptive. In summary, the available evidence is currently insufficient to determine the role of this variant in disease. Therefore, it has been classified as a Variant of Uncertain Significance.